The following is an entry in ClinVar:

ClinVar aggregate classification (germline): Uncertain significance (1 of 4 stars; one submission).

Conditions:
Autosomal recessive limb-girdle muscular dystrophy type 2D (LGMDR3). Also called: ADHALINOPATHY, PRIMARY; DUCHENNE-LIKE AUTOSOMAL RECESSIVE MUSCULAR DYSTROPHY, TYPE 2; MUSCULAR DYSTROPHY, LIMB-GIRDLE, AUTOSOMAL RECESSIVE 3. Identifiers: Orphanet 62, MedGen C2936332, MONDO:0011968, OMIM 608099. Disease mechanism: Affects gamma-sarcoglycan and also disrupts the integrity of the entire sarcoglycan complex..

Allele frequency attached by ClinVar (database versions not stated): gnomAD exomes below 0.00001; TOPMed below 0.00001.

Submission:

Labcorp Genetics (formerly Invitae), Labcorp
Classification: Uncertain significance for Autosomal recessive limb-girdle muscular dystrophy type 2D. Last evaluated: 2022-08-16. Review status: criteria provided, single submitter. Criteria: Invitae Variant Classification Sherloc (09022015). Collection method: clinical testing. Allele origin: germline.
Comment: This sequence change replaces histidine, which is basic and polar, with arginine, which is basic and polar, at codon 334 of the SGCA protein (p.His334Arg). The frequency data for this variant in the population databases is considered unreliable, as metrics indicate poor data quality at this position in the gnomAD database. This variant has not been reported in the literature in individuals affected with SGCA-related conditions. Advanced modeling of protein sequence and biophysical properties (such as structural, functional, and spatial information, amino acid conservation, physicochemical variation, residue mobility, and thermodynamic stability) performed at Invitae indicates that this missense variant is expected to disrupt SGCA protein function. In summary, the available evidence is currently insufficient to determine the role of this variant in disease. Therefore, it has been classified as a Variant of Uncertain Significance.

NM_000023.4(SGCA):c.1001A>G (p.His334Arg)

Gene: SGCA (sarcoglycan alpha; plus strand). Cytogenetic location: 17q21.33.
Variant type: single nucleotide variant.
Coding change: c.1001A>G on transcript NM_000023.4 (MANE Select); coding-DNA position 1001, A replaced by G.
Protein change: p.His334Arg; replaces histidine 334 with arginine.
Molecular consequence: missense variant. On other transcripts: non-coding transcript variant (1).
Genome position (GRCh38, 1-based): chr17:50,175,274, A>G. VCF-style: chr17-50175274-A-G. GRCh37 (hg19) VCF-style: chr17-48252635-A-G.
Other names: c.629A>G, p.His210Arg (NM_001135697.3); short protein forms H334R, H210R.
Identifiers: ClinVar variation 2163515 (VCV002163515.1), dbSNP rs1440550854, ClinGen allele CA400183664.
Genomic context (GRCh38, chr17:50,175,274, plus strand): 5'-CAGCTGACTCCCAGAGCTGATGACTCCCCACCTGTGCCTCCAGCATCCAGATGGTCCACC[A>G]CTGCACCATCCACGGGAACACAGAGGAGCTGCGGCAGATGGCGGCCAGCCGCGAGGTGCC-3'
Protein context (NP_000014.1, residues 324-344): LATSDIQMVH[His334Arg]CTIHGNTEEL